The following is an entry in ClinVar:

ClinVar aggregate classification (germline): Uncertain significance (1 of 4 stars; one submission).

Conditions:
Walker-Warburg congenital muscular dystrophy. Also called: Muscular dystrophy-dystroglycanopathy, type A; Walker-Warburg syndrome. Identifiers: Orphanet 899, MedGen C0265221, MONDO:0000171.
Autosomal recessive limb-girdle muscular dystrophy type 2K. Also called: MUSCULAR DYSTROPHY, LIMB-GIRDLE, TYPE 2K; MUSCULAR DYSTROPHY-DYSTROGLYCANOPATHY (LIMB-GIRDLE), TYPE C, 1. Identifiers: Orphanet 86812, MedGen C1836373, MONDO:0012248, OMIM 609308.
Muscular dystrophy-dystroglycanopathy (congenital with impaired intellectual development), type B, 1. Also called: MUSCULAR DYSTROPHY, CONGENITAL, POMT1-RELATED; Muscular dystrophy-dystroglycanopathy (congenital with intellectual disability), type B1. Identifiers: MedGen C5436962, MONDO:0013159, OMIM 613155.

Allele frequency attached by ClinVar (database versions not stated): gnomAD exomes below 0.00001.

Submission:

Labcorp Genetics (formerly Invitae), Labcorp
Classification: Uncertain significance for Muscular dystrophy-dystroglycanopathy (congenital with impaired intellectual development), type B, 1; Walker-Warburg congenital muscular dystrophy; Autosomal recessive limb-girdle muscular dystrophy type 2K. Last evaluated: 2021-02-02. Review status: criteria provided, single submitter. Criteria: Invitae Variant Classification Sherloc (09022015). Collection method: clinical testing. Allele origin: germline.
Comment: In summary, the available evidence is currently insufficient to determine the role of this variant in disease. Therefore, it has been classified as a Variant of Uncertain Significance. Algorithms developed to predict the effect of missense changes on protein structure and function are either unavailable or do not agree on the potential impact of this missense change (SIFT: "Deleterious"; PolyPhen-2: "Probably Damaging"; Align-GVGD: "Class C0"). This variant has not been reported in the literature in individuals with POMT1-related conditions. This variant is not present in population databases (ExAC no frequency). This sequence change replaces glycine with glutamic acid at codon 309 of the POMT1 protein (p.Gly309Glu). The glycine residue is highly conserved and there is a moderate physicochemical difference between glycine and glutamic acid.

NM_001077365.2(POMT1):c.860G>A (p.Gly287Glu)

Gene: POMT1 (protein O-mannosyltransferase 1; plus strand). Cytogenetic location: 9q34.13.
Variant type: single nucleotide variant.
Coding change: c.860G>A on transcript NM_001077365.2 (MANE Select); coding-DNA position 860, G replaced by A.
Protein change: p.Gly287Glu; replaces glycine 287 with glutamic acid.
Molecular consequence: missense variant. On other transcripts: synonymous variant (1), non-coding transcript variant (10).
Genome position (GRCh38, 1-based): chr9:131,511,341, G>A. VCF-style: chr9-131511341-G-A. GRCh37 (hg19) VCF-style: chr9-134386728-G-A.
Other names: c.698G>A, p.Gly233Glu (NM_001077366.2, NM_001353194.2, NM_001374693.1); c.860G>A, p.Gly287Glu (NM_001136113.2, NM_001374690.1); c.509G>A, p.Gly170Glu (NM_001136114.2, NM_001353195.2, NM_001374691.1 and 1 more transcripts); c.926G>A, p.Gly309Glu (NM_001353193.2, NM_007171.4); c.770G>A, p.Gly257Glu (NM_001353196.2); c.764G>A, p.Gly255Glu (NM_001353197.2, NM_001353198.2); c.575G>A, p.Gly192Glu (NM_001353199.2); c.404G>A, p.Gly135Glu (NM_001353200.2); and 2 more; short protein forms G157E, G233E, G255E, G135E, G257E, G192E, G287E, G309E.
Identifiers: ClinVar variation 1368921 (VCV001368921.8), dbSNP rs1947076473, ClinGen allele CA375308262.